The following is an entry in ClinVar:

NM_001385079.1(PDE10A):c.1082G>A (p.Arg361Gln)

Gene: PDE10A (phosphodiesterase 10A; minus strand). Cytogenetic location: 6q27.
Variant type: single nucleotide variant.
Coding change: c.1082G>A on transcript NM_001385079.1 (MANE Select); coding-DNA position 1082, G replaced by A.
Protein change: p.Arg361Gln; replaces arginine 361 with glutamine.
Molecular consequence: missense variant.
Genome position (GRCh38, 1-based): chr6:165,450,304, C>T on the plus strand (G>A on the coding strand, the complement: PDE10A is on the minus strand). VCF-style: chr6-165450304-C-T. GRCh37 (hg19) VCF-style: chr6-165863792-C-T.
Other names: c.284G>A, p.Arg95Gln (NM_001130690.3); c.254G>A, p.Arg85Gln (NM_006661.4); short protein forms R95Q, R85Q, R361Q.
Identifiers: ClinVar variation 2027120 (VCV002027120.4), dbSNP rs924221843, ClinGen allele CA151807191.
Genomic context (GRCh38, chr6:165,450,304, plus strand): 5'-ATTTTAATGATGCTGCTCAGTTCATAGAGGAGTAGCTGGTTGTCTCCTCCTGTGTCCAAC[C>T]GTTGTTCTATATAGCTGTTTAGTTCATATACAACTCCCTGCATATTCGTATCTTGGTACT-3'
Protein context (NP_001372008.1, residues 351-371): VYELNSYIEQ[Arg361Gln]LDTGGDNQLL

ClinVar aggregate classification (germline): Uncertain significance (1 of 4 stars; one submission).

Allele frequency attached by ClinVar (database versions not stated): gnomAD exomes below 0.00001; gnomAD 0.00001.
gnomAD v4.1: 6 of 1,600,122 alleles (0.00037%); highest among the groups gnomAD compares: African/African-American, 0.0027%; no homozygotes.

Submission:

Labcorp Genetics (formerly Invitae), Labcorp
Classification: Uncertain significance. Last evaluated: 2025-09-24. Review status: criteria provided, single submitter. Criteria: Invitae Variant Classification Sherloc (09022015). Collection method: clinical testing. Allele origin: germline.
Comment: This sequence change replaces arginine, which is basic and polar, with glutamine, which is neutral and polar, at codon 95 of the PDE10A protein (p.Arg95Gln). This variant is not present in population databases (gnomAD no frequency). This variant has not been reported in the literature in individuals affected with PDE10A-related conditions. ClinVar contains an entry for this variant (Variation ID: 2027120). An algorithm developed to predict the effect of missense changes on protein structure and function (PolyPhen-2) suggests that this variant is likely to be tolerated. In summary, the available evidence is currently insufficient to determine the role of this variant in disease. Therefore, it has been classified as a Variant of Uncertain Significance.